The following is an entry in ClinVar:

ClinVar aggregate classification (germline): Likely pathogenic (1 of 4 stars; one submission).

Submission:

Labcorp Genetics (formerly Invitae), Labcorp
Classification: Likely pathogenic. Last evaluated: 2023-10-03. Review status: criteria provided, single submitter. Criteria: Invitae Variant Classification Sherloc (09022015). Collection method: clinical testing. Allele origin: unknown.
Comment: This variant results in a copy number gain of the genomic region encompassing exon(s) 17 of the TRAPPC9 gene. While the exact position of this variant cannot be determined from the data, sub-genic copy number gains are generally in tandem (PMID: 25640679). This variant is predicted to be out-of-frame, and may result in an absent or disrupted protein product. Loss-of-function variants in TRAPPC9 are known to be pathogenic (PMID: 2000476, 20004763, 20004764). This variant has not been reported in the literature in individuals affected with TRAPPC9-related conditions. In summary, the currently available evidence indicates that the variant is pathogenic, but additional data are needed to prove that conclusively. Therefore, this variant has been classified as Likely Pathogenic.

Literature cited by the submitters: PubMed 25640679; PubMed 2000476; PubMed 20004763; PubMed 20004764.

NC_000008.10:g.(?_141231538)_(141231702_?)dup

Gene: TRAPPC9 (trafficking protein particle complex subunit 9; minus strand). Cytogenetic location: 8q24.3.
Variant type: Duplication.
Identifiers: ClinVar variation 3245607 (VCV003245607.1).